The following is an entry in ClinVar:

ClinVar aggregate classification (germline): Uncertain significance (1 of 4 stars; one submission).

Conditions:
Inborn genetic diseases. Identifiers: MedGen C0950123, MeSH D030342.

Submission:

Ambry Genetics
Classification: Uncertain significance for Inborn genetic diseases. Last evaluated: 2025-10-07. Review status: criteria provided, single submitter. Criteria: Ambry Variant Classification Scheme 2023. Collection method: clinical testing. Allele origin: germline.
Comment: The p.A465S variant (also known as c.1393G>T), located in coding exon 1 of the SAMD9L gene, results from a G to T substitution at nucleotide position 1393. The alanine at codon 465 is replaced by serine, an amino acid with similar properties. This amino acid position is conserved. In addition, this alteration is predicted to be tolerated by in silico analysis. Based on the available evidence, the clinical significance of this variant remains unclear.

NM_152703.5(SAMD9L):c.1393G>T (p.Ala465Ser)

Gene: SAMD9L (sterile alpha motif domain containing 9 like; minus strand). Cytogenetic location: 7q21.2.
Variant type: single nucleotide variant.
Coding change: c.1393G>T on transcript NM_152703.5 (MANE Select); coding-DNA position 1393, G replaced by T.
Protein change: p.Ala465Ser; replaces alanine 465 with serine.
Molecular consequence: missense variant.
Genome position (GRCh38, 1-based): chr7:93,134,579, C>A on the plus strand (G>T on the coding strand, the complement: SAMD9L is on the minus strand). VCF-style: chr7-93134579-C-A. GRCh37 (hg19) VCF-style: chr7-92763892-C-A.
Other names: c.1393G>T, p.Ala465Ser (NM_001303496.3, NM_001303497.3, NM_001303498.3 and 5 more transcripts); short protein forms A465S.
Identifiers: ClinVar variation 4630043 (VCV004630043.1).